The following is an entry in ClinVar:

ClinVar aggregate classification (germline): Uncertain significance (1 of 4 stars; one submission).

Conditions:
Progressive sclerosing poliodystrophy (MTDPS4A). Also called: Mitochondrial DNA Depletion Syndrome 4A; ALPERS PROGRESSIVE INFANTILE POLIODYSTROPHY; NEURONAL DEGENERATION OF CHILDHOOD WITH LIVER DISEASE, PROGRESSIVE; Mitochondrial DNA depletion syndrome 4A (Alpers type); Alpers Syndrome; ALPERS DIFFUSE DEGENERATION OF CEREBRAL GRAY MATTER WITH HEPATIC CIRRHOSIS. Identifiers: Orphanet 726, MedGen C0205710, MONDO:0008758, OMIM 203700.

Submission:

Labcorp Genetics (formerly Invitae), Labcorp
Classification: Uncertain significance for Progressive sclerosing poliodystrophy. Last evaluated: 2022-09-05. Review status: criteria provided, single submitter. Criteria: Invitae Variant Classification Sherloc (09022015). Collection method: clinical testing. Allele origin: germline.
Comment: In summary, the available evidence is currently insufficient to determine the role of this variant in disease. Therefore, it has been classified as a Variant of Uncertain Significance. This variant disrupts the p.Thr251 amino acid residue in POLG. Other variant(s) that disrupt this residue have been determined to be pathogenic (PMID: 12707443, 22616202, 23921535). This suggests that this residue is clinically significant, and that variants that disrupt this residue are likely to be disease-causing. Algorithms developed to predict the effect of missense changes on protein structure and function output the following: SIFT: "Tolerated"; PolyPhen-2: "Benign"; Align-GVGD: "Class C0". The proline amino acid residue is found in multiple mammalian species, which suggests that this missense change does not adversely affect protein function. This variant has not been reported in the literature in individuals affected with POLG-related conditions. This variant is not present in population databases (gnomAD no frequency). This sequence change replaces threonine, which is neutral and polar, with proline, which is neutral and non-polar, at codon 251 of the POLG protein (p.Thr251Pro).

Literature cited by the submitters: PubMed 12707443; PubMed 22616202; PubMed 23921535.

NM_002693.3(POLG):c.751A>C (p.Thr251Pro)

Gene: POLG (DNA polymerase gamma, catalytic subunit; minus strand). Cytogenetic location: 15q26.1.
Variant type: single nucleotide variant.
Coding change: c.751A>C on transcript NM_002693.3 (MANE Select); coding-DNA position 751, A replaced by C.
Protein change: p.Thr251Pro; replaces threonine 251 with proline.
Molecular consequence: missense variant.
Genome position (GRCh38, 1-based): chr15:89,330,185, T>G on the plus strand (A>C on the coding strand, the complement: POLG is on the minus strand). VCF-style: chr15-89330185-T-G. GRCh37 (hg19) VCF-style: chr15-89873416-T-G.
Other names: c.751A>C, p.Thr251Pro (NM_001126131.2); short protein forms T251P.
Identifiers: ClinVar variation 2029091 (VCV002029091.4), dbSNP rs2141806586, ClinGen allele CA393766993.